The following is an entry in ClinVar:

ClinVar aggregate classification (germline): Benign/Likely benign. Review status: criteria provided, multiple submitters, no conflicts (2 of 4 stars). 5 submissions from 5 submitters: Benign (3); Likely benign (2). Last evaluated 2026-06-01.

Conditions:
Developmental and epileptic encephalopathy, 69. Also called: EPILEPTIC ENCEPHALOPATHY, EARLY INFANTILE, 69. Identifiers: MedGen C4748988, MONDO:0032657, OMIM 618285.

Allele frequency attached by ClinVar (database versions not stated): 1000 Genomes Project 30x 0.00047; 1000 Genomes Project 0.00060; gnomAD exomes 0.00096 and 0.00128; gnomAD 0.00102 and 0.00105; ESP Exome Variant Server 0.00107; TOPMed 0.00109; ExAC 0.00181.
gnomAD v4.1: 1,969 of 1,587,800 alleles (0.12%); highest among the groups gnomAD compares: Admixed American, 0.17%; 1 homozygote.

Submissions (5):

CeGaT Center for Human Genetics Tuebingen
Classification: Likely benign. Last evaluated: 2026-06-01. Review status: criteria provided, single submitter. Criteria: CeGaT Center For Human Genetics Tuebingen Variant Classification Criteria Version 2. Collection method: clinical testing. Allele origin: germline. Affected: yes. Observed: 6 variant alleles.
Comment: CACNA1E: BP4, BP7, BS1

Labcorp Genetics (formerly Invitae), Labcorp
Classification: Benign. Last evaluated: 2026-02-03. Review status: criteria provided, single submitter. Criteria: Invitae Variant Classification Sherloc (09022015). Collection method: clinical testing. Allele origin: germline.

Blueprint Genetics
Classification: Likely benign. Last evaluated: 2024-11-26. Review status: criteria provided, single submitter. Criteria: ACMG Guidelines, 2015. Collection method: clinical testing. Allele origin: germline.

Genome-Nilou Lab
Classification: Benign for Developmental and epileptic encephalopathy, 69. Last evaluated: 2023-04-11. Review status: criteria provided, single submitter. Criteria: ACMG Guidelines, 2015. Collection method: clinical testing. Allele origin: germline. Affected: no.

GeneDx
Classification: Benign. Last evaluated: 2021-05-09. Review status: criteria provided, single submitter. Criteria: GeneDx Variant Classification Process June 2021. Collection method: clinical testing. Allele origin: germline. Affected: yes.

NM_001205293.3(CACNA1E):c.4905C>T (p.Asp1635=)

Gene: CACNA1E (calcium voltage-gated channel subunit alpha1 E; plus strand). Cytogenetic location: 1q25.3.
Variant type: single nucleotide variant.
Coding change: c.4905C>T on transcript NM_001205293.3 (MANE Select); coding-DNA position 4905, C replaced by T.
Protein change: p.Asp1635=; no amino-acid change (aspartic acid 1635 retained).
Molecular consequence: synonymous variant.
Genome position (GRCh38, 1-based): chr1:181,771,316, C>T. VCF-style: chr1-181771316-C-T. GRCh37 (hg19) VCF-style: chr1-181740452-C-T.
Other names: c.4905C>T, p.Asp1635= (NM_000721.4); c.4848C>T, p.Asp1616= (NM_001205294.2).
Identifiers: ClinVar variation 752994 (VCV000752994.36), dbSNP rs183065185, ClinGen allele CA1275969.